The following is an entry in ClinVar:

ClinVar aggregate classification (germline): Uncertain significance (1 of 4 stars; one submission).

Submission:

Labcorp Genetics (formerly Invitae), Labcorp
Classification: Uncertain significance. Last evaluated: 2023-12-17. Review status: criteria provided, single submitter. Criteria: Invitae Variant Classification Sherloc (09022015). Collection method: clinical testing. Allele origin: germline.
Comment: This sequence change replaces leucine, which is neutral and non-polar, with proline, which is neutral and non-polar, at codon 1275 of the POLR1A protein (p.Leu1275Pro). This variant is not present in population databases (gnomAD no frequency). This variant has not been reported in the literature in individuals affected with POLR1A-related conditions. Advanced modeling of protein sequence and biophysical properties (such as structural, functional, and spatial information, amino acid conservation, physicochemical variation, residue mobility, and thermodynamic stability) performed at Invitae indicates that this missense variant is not expected to disrupt POLR1A protein function with a negative predictive value of 80%. In summary, the available evidence is currently insufficient to determine the role of this variant in disease. Therefore, it has been classified as a Variant of Uncertain Significance.

NM_015425.6(POLR1A):c.3824T>C (p.Leu1275Pro)

Genes: POLR1A (RNA polymerase I subunit A; minus strand), LOC106783498 (conserved acetylation island sequence 34 enhancer; plus strand). Cytogenetic location: 2p11.2.
Variant type: single nucleotide variant.
Coding change: c.3824T>C on transcript NM_015425.6 (MANE Select); coding-DNA position 3824, T replaced by C.
Protein change: p.Leu1275Pro; replaces leucine 1275 with proline.
Molecular consequence: missense variant.
Genome position (GRCh38, 1-based): chr2:86,039,379, A>G on the plus strand (T>C on the coding strand, the complement: POLR1A is on the minus strand). VCF-style: chr2-86039379-A-G. GRCh37 (hg19) VCF-style: chr2-86266502-A-G.
Other names: short protein forms L1275P.
Identifiers: ClinVar variation 2750329 (VCV002750329.3), dbSNP rs781408970, ClinGen allele CA347550697.